The following is an entry in ClinVar:

ClinVar aggregate classification (germline): Uncertain significance. Review status: criteria provided, multiple submitters, no conflicts (2 of 4 stars). 2 submissions from 2 submitters: Uncertain significance (2). Last evaluated 2023-04-14.

Conditions:
Hereditary cancer-predisposing syndrome. Also called: Neoplastic Syndromes, Hereditary; Tumor predisposition; Hereditary Cancer Syndrome; Hereditary neoplastic syndrome. Identifiers: Orphanet 140162, MedGen C0027672, MeSH D009386, MONDO:0015356.
Ataxia-telangiectasia syndrome (AT). Also called: LOUIS-BAR SYNDROME; Cerebello-oculocutaneous telangiectasia; Immunodeficiency with ataxia telangiectasia; Ataxia-telangiectasia, complementation group D; AT, COMPLEMENTATION GROUP C; ATAXIA-TELANGIECTASIA, COMPLEMENTATION GROUP A. Identifiers: Orphanet 100, MedGen C0004135, MONDO:0008840, OMIM 208900.

Submissions (2):

Labcorp Genetics (formerly Invitae), Labcorp
Classification: Uncertain significance for Ataxia-telangiectasia syndrome. Last evaluated: 2023-04-14. Review status: criteria provided, single submitter. Criteria: Invitae Variant Classification Sherloc (09022015). Collection method: clinical testing. Allele origin: germline.
Comment: In summary, the available evidence is currently insufficient to determine the role of this variant in disease. Therefore, it has been classified as a Variant of Uncertain Significance. This variant is not present in population databases (gnomAD no frequency). This variant has not been reported in the literature in individuals affected with ATM-related conditions. ClinVar contains an entry for this variant (Variation ID: 1738118). An algorithm developed to predict the effect of missense changes on protein structure and function (PolyPhen-2) suggests that this variant is likely to be disruptive. This sequence change replaces proline, which is neutral and non-polar, with leucine, which is neutral and non-polar, at codon 1379 of the ATM protein (p.Pro1379Leu).

Ambry Genetics
Classification: Uncertain significance for Hereditary cancer-predisposing syndrome. Last evaluated: 2022-08-25. Review status: criteria provided, single submitter. Criteria: Ambry Variant Classification Scheme 2023. Collection method: clinical testing. Allele origin: germline.
Comment: The p.P1379L variant (also known as c.4136C>T), located in coding exon 27 of the ATM gene, results from a C to T substitution at nucleotide position 4136. The proline at codon 1379 is replaced by leucine, an amino acid with similar properties. This amino acid position is highly conserved in available vertebrate species. In addition, the in silico prediction for this alteration is inconclusive. Since supporting evidence is limited at this time, the clinical significance of this alteration remains unclear.

NM_000051.4(ATM):c.4136C>T (p.Pro1379Leu)

Gene: ATM (ATM serine/threonine kinase; plus strand). Cytogenetic location: 11q22.3.
Variant type: single nucleotide variant.
Coding change: c.4136C>T on transcript NM_000051.4 (MANE Select); coding-DNA position 4136, C replaced by T.
Protein change: p.Pro1379Leu; replaces proline 1379 with leucine.
Molecular consequence: missense variant.
Genome position (GRCh38, 1-based): chr11:108,289,003, C>T. VCF-style: chr11-108289003-C-T. GRCh37 (hg19) VCF-style: chr11-108159730-C-T.
Other names: c.4136C>T, p.Pro1379Leu (NM_001351834.2); short protein forms P1379L.
Identifiers: ClinVar variation 1738118 (VCV001738118.5), dbSNP rs2135751182, ClinGen allele CA382529885.
Genomic context (GRCh38, chr11:108,289,003, plus strand): 5'-ACGATGACTGTATTTTTTCCCTTAACTCTGTTAGGGATTTGGATCCTGCTCCTAATCCAC[C>T]TCATTTTCCATCGCATGTGATTAAAGCAACATTTGCCTATATCAGCAATTGTCATAAAAC-3'
Protein context (NP_000042.3, residues 1369-1389): SGDLDPAPNP[Pro1379Leu]HFPSHVIKAT